The following is an entry in ClinVar:

NM_001963.6(EGF):c.2534G>T (p.Arg845Leu)

Gene: EGF (epidermal growth factor; plus strand). Cytogenetic location: 4q25.
Variant type: single nucleotide variant.
Coding change: c.2534G>T on transcript NM_001963.6 (MANE Select); coding-DNA position 2534, G replaced by T.
Protein change: p.Arg845Leu; replaces arginine 845 with leucine.
Molecular consequence: missense variant. On other transcripts: intron variant (1).
Genome position (GRCh38, 1-based): chr4:109,987,786, G>T. VCF-style: chr4-109987786-G-T. GRCh37 (hg19) VCF-style: chr4-110908942-G-T.
Other names: c.2534G>T, p.Arg845Leu (NM_001178130.3); c.2408G>T, p.Arg803Leu (NM_001178131.3); c.2365+4245G>T (NM_001357021.2); short protein forms R845L, R803L.
Identifiers: ClinVar variation 3675187 (VCV003675187.2).
Genomic context (GRCh38, chr4:109,987,786, plus strand): 5'-GATTCTTGCTATTTGTAGATCAAGATGACTGTGCTCCTGTGGGATGCAGCATGTATGCTC[G>T]GTGTATTTCAGAGGGAGAGGATGCCACATGTCAGTGTTTGAAAGGATTTGCTGGGGATGG-3'
Protein context (NP_001954.2, residues 835-855): CAPVGCSMYA[Arg845Leu]CISEGEDATC

ClinVar aggregate classification (germline): Uncertain significance (1 of 4 stars; one submission).

Submission:

Labcorp Genetics (formerly Invitae), Labcorp
Classification: Uncertain significance. Last evaluated: 2024-07-03. Review status: criteria provided, single submitter. Criteria: Invitae Variant Classification Sherloc (09022015). Collection method: clinical testing. Allele origin: germline.
Comment: This sequence change replaces arginine, which is basic and polar, with leucine, which is neutral and non-polar, at codon 845 of the EGF protein (p.Arg845Leu). This variant is present in population databases (rs148530497, gnomAD 0.02%). This variant has not been reported in the literature in individuals affected with EGF-related conditions. Algorithms developed to predict the effect of missense changes on protein structure and function output the following: SIFT: "Not Available"; PolyPhen-2: "Benign"; Align-GVGD: "Not Available". The leucine amino acid residue is found in multiple mammalian species, which suggests that this missense change does not adversely affect protein function. Algorithms developed to predict the effect of sequence changes on RNA splicing suggest that this variant may disrupt the consensus splice site. In summary, the available evidence is currently insufficient to determine the role of this variant in disease. Therefore, it has been classified as a Variant of Uncertain Significance.